The following is an entry in ClinVar:

NM_000048.4(ASL):c.1136G>T (p.Arg379Leu)

Gene: ASL (argininosuccinate lyase; plus strand). Cytogenetic location: 7q11.21.
Variant type: single nucleotide variant.
Coding change: c.1136G>T on transcript NM_000048.4 (MANE Select); coding-DNA position 1136, G replaced by T.
Protein change: p.Arg379Leu; replaces arginine 379 with leucine.
Molecular consequence: missense variant.
Genome position (GRCh38, 1-based): chr7:66,092,079, G>T. VCF-style: chr7-66092079-G-T. GRCh37 (hg19) VCF-style: chr7-65557066-G-T.
Other names: c.1136G>T, p.Arg379Leu (NM_001024943.2); c.1076G>T, p.Arg359Leu (NM_001024944.2); c.1058G>T, p.Arg353Leu (NM_001024946.2); short protein forms R359L, R353L, R379L.
Identifiers: ClinVar variation 1483440 (VCV001483440.7), dbSNP rs200853731, ClinGen allele CA367650617.

ClinVar aggregate classification (germline): Conflicting classifications of pathogenicity. Review status: criteria provided, conflicting classifications (1 of 4 stars). 2 submissions from 2 submitters: Likely pathogenic (1); Uncertain significance (1). Last evaluated 2026-06-10.

Conditions:
Argininosuccinate lyase deficiency. Also called: ARGININOSUCCINIC ACID LYASE DEFICIENCY; ASL DEFICIENCY; Argininosuccinic aciduria. Identifiers: Orphanet 23, MedGen C0268547, MONDO:0008815, OMIM 207900, HP:0025630.

gnomAD v4.1: 17 of 1,611,944 alleles (0.0011%); highest among the groups gnomAD compares: African/African-American, 0.0013%; no homozygotes.

Submissions (2):

Myriad Genetics, Inc.
Classification: Uncertain significance for Argininosuccinate lyase deficiency. Last evaluated: 2026-06-10. Review status: criteria provided, single submitter. Criteria: Myriad Autosomal Dominant, Autosomal Recessive and X-Linked Classification Criteria (2023). Collection method: clinical testing. Allele origin: unknown.
Comment: NM_001024943.1(ASL):c.1136G>T(R379L) is a missense variant classified as a variant of uncertain significance in the context of argininosuccinic aciduria. R379L has not been observed in cases with relevant disease. Relevant functional assessments of this variant are not available in the literature. R379L has been observed in referenced population frequency databases. In summary, there is insufficient evidence to classify NM_001024943.1(ASL):c.1136G>T(R379L) as pathogenic or benign. Please note: this variant was assessed in the context of healthy population screening.

Labcorp Genetics (formerly Invitae), Labcorp
Classification: Likely pathogenic for Argininosuccinate lyase deficiency. Last evaluated: 2023-02-03. Review status: criteria provided, single submitter. Criteria: Invitae Variant Classification Sherloc (09022015). Collection method: clinical testing. Allele origin: germline.
Comment: ClinVar contains an entry for this variant (Variation ID: 1483440). Advanced modeling of protein sequence and biophysical properties (such as structural, functional, and spatial information, amino acid conservation, physicochemical variation, residue mobility, and thermodynamic stability) performed at Invitae indicates that this missense variant is expected to disrupt ASL protein function. This variant disrupts the p.Arg379 amino acid residue in ASL. Other variant(s) that disrupt this residue have been determined to be pathogenic (PMID: 12408190, 20236848, 21667091, 25778938, 27515243; Invitae). This suggests that this residue is clinically significant, and that variants that disrupt this residue are likely to be disease-causing. In summary, the currently available evidence indicates that the variant is pathogenic, but additional data are needed to prove that conclusively. Therefore, this variant has been classified as Likely Pathogenic. This variant has not been reported in the literature in individuals affected with ASL-related conditions. This variant is present in population databases (no rsID available, gnomAD 0.003%). This sequence change replaces arginine, which is basic and polar, with leucine, which is neutral and non-polar, at codon 379 of the ASL protein (p.Arg379Leu).

Literature cited by the submitters: PubMed 12408190 (cited by Labcorp Genetics (formerly Invitae), Labcorp); PubMed 20236848 (cited by Labcorp Genetics (formerly Invitae), Labcorp); PubMed 21667091 (cited by Labcorp Genetics (formerly Invitae), Labcorp); PubMed 25778938 (cited by Labcorp Genetics (formerly Invitae), Labcorp); PubMed 27515243 (cited by Labcorp Genetics (formerly Invitae), Labcorp).